The following is an entry in ClinVar:

ClinVar aggregate classification (germline): Uncertain significance (1 of 4 stars; one submission).

Submission:

GeneDx
Classification: Uncertain significance. Last evaluated: 2025-07-03. Review status: criteria provided, single submitter. Criteria: GeneDx Variant Classification Process June 2021. Collection method: clinical testing. Allele origin: germline. Affected: yes.
Comment: Not observed at significant frequency in large population cohorts (gnomAD); In silico analysis suggests that this missense variant does not alter protein structure/function; Has not been previously published as pathogenic or benign to our knowledge

NM_001033044.4(GLUL):c.508G>T (p.Ala170Ser)

Genes: GLUL (glutamate-ammonia ligase; minus strand), LOC126805944 (CDK7 strongly-dependent group 2 enhancer GRCh37_chr1:182354799-182355998; plus strand). Cytogenetic location: 1q25.3.
Variant type: single nucleotide variant.
Coding change: c.508G>T on transcript NM_001033044.4 (MANE Select); coding-DNA position 508, G replaced by T.
Protein change: p.Ala170Ser; replaces alanine 170 with serine.
Molecular consequence: missense variant.
Genome position (GRCh38, 1-based): chr1:182,385,855, C>A on the plus strand (G>T on the coding strand, the complement: GLUL is on the minus strand). VCF-style: chr1-182385855-C-A. GRCh37 (hg19) VCF-style: chr1-182354990-C-A.
Other names: c.508G>T, p.Ala170Ser (NM_001033056.4, NM_002065.7); short protein forms A170S.
Identifiers: ClinVar variation 4680917 (VCV004680917.1).